The following is an entry in ClinVar:

NM_000878.5(IL2RB):c.745G>C (p.Val249Leu)

Gene: IL2RB (interleukin 2 receptor subunit beta; minus strand). Cytogenetic location: 22q12.3.
Variant type: single nucleotide variant.
Coding change: c.745G>C on transcript NM_000878.5 (MANE Select); coding-DNA position 745, G replaced by C.
Protein change: p.Val249Leu; replaces valine 249 with leucine.
Molecular consequence: missense variant.
Genome position (GRCh38, 1-based): chr22:37,135,401, C>G on the plus strand (G>C on the coding strand, the complement: IL2RB is on the minus strand). VCF-style: chr22-37135401-C-G. GRCh37 (hg19) VCF-style: chr22-37531441-C-G.
Other names: c.745G>C, p.Val249Leu (NM_001346222.1, NM_001346223.2); short protein forms V249L.
Identifiers: ClinVar variation 1411530 (VCV001411530.8), dbSNP rs147866253, ClinGen allele CA324049085.
Genomic context (GRCh38, chr22:37,135,401, plus strand): 5'-TCCTGCAGTTGATCAGCAAGTACACTAAGATGATGAAGCCAAAAGCCCCGCTGAGGCCCA[C>G]GAGGAGGTGGCCGAGCCACGGAATGGTGTCCTTCCCAAGGGCTGCCCAGGGGTGGGAGAA-3'
Protein context (NP_000869.1, residues 239-259): DTIPWLGHLL[Val249Leu]GLSGAFGFII

ClinVar aggregate classification (germline): Uncertain significance (1 of 4 stars; one submission).

gnomAD v4.1: 7 of 1,613,828 alleles (0.00043%); highest among the groups gnomAD compares: Middle Eastern, 0.05%; no homozygotes.

Submission:

Labcorp Genetics (formerly Invitae), Labcorp
Classification: Uncertain significance. Last evaluated: 2024-10-05. Review status: criteria provided, single submitter. Criteria: Invitae Variant Classification Sherloc (09022015). Collection method: clinical testing. Allele origin: germline.
Comment: This sequence change replaces valine, which is neutral and non-polar, with leucine, which is neutral and non-polar, at codon 249 of the IL2RB protein (p.Val249Leu). This variant is present in population databases (no rsID available, gnomAD 0.003%). This variant has not been reported in the literature in individuals affected with IL2RB-related conditions. ClinVar contains an entry for this variant (Variation ID: 1411530). An algorithm developed to predict the effect of missense changes on protein structure and function outputs the following: PolyPhen-2: "Benign". The leucine amino acid residue is found in multiple mammalian species, which suggests that this missense change does not adversely affect protein function. In summary, the available evidence is currently insufficient to determine the role of this variant in disease. Therefore, it has been classified as a Variant of Uncertain Significance.